The following is an entry in ClinVar:

ClinVar aggregate classification (germline): Uncertain significance (1 of 4 stars; one submission).

Conditions:
Hereditary cancer-predisposing syndrome. Also called: Hereditary Cancer Syndrome; Hereditary neoplastic syndrome; Tumor predisposition; Neoplastic Syndromes, Hereditary. Identifiers: Orphanet 140162, MedGen C0027672, MeSH D009386, MONDO:0015356.

Submission:

Ambry Genetics
Classification: Uncertain significance for Hereditary cancer-predisposing syndrome. Last evaluated: 2020-12-15. Review status: criteria provided, single submitter. Criteria: Ambry Variant Classification Scheme 2023. Collection method: clinical testing. Allele origin: germline.
Comment: The p.Y786D variant (also known as c.2356T>G), located in coding exon 4 of the MSH6 gene, results from a T to G substitution at nucleotide position 2356. The tyrosine at codon 786 is replaced by aspartic acid, an amino acid with highly dissimilar properties. This amino acid position is not well conserved in available vertebrate species. In addition, this alteration is predicted to be tolerated by in silico analysis. Since supporting evidence is limited at this time, the clinical significance of this alteration remains unclear.

NM_000179.3(MSH6):c.2356T>G (p.Tyr786Asp)

Gene: MSH6 (mutS homolog 6; plus strand). Cytogenetic location: 2p16.3.
Variant type: single nucleotide variant.
Coding change: c.2356T>G on transcript NM_000179.3 (MANE Select); coding-DNA position 2356, T replaced by G.
Protein change: p.Tyr786Asp; replaces tyrosine 786 with aspartic acid.
Molecular consequence: missense variant.
Genome position (GRCh38, 1-based): chr2:47,800,339, T>G. VCF-style: chr2-47800339-T-G. GRCh37 (hg19) VCF-style: chr2-48027478-T-G.
Other names: c.1966T>G, p.Tyr656Asp (NM_001281492.2); c.1450T>G, p.Tyr484Asp (NM_001281493.2, NM_001281494.2, NM_001406811.1 and 6 more transcripts); c.2452T>G, p.Tyr818Asp (NM_001406795.1, NM_001406802.1); c.2356T>G, p.Tyr786Asp (NM_001406796.1, NM_001406798.1, NM_001406800.1 and 2 more transcripts); c.2059T>G, p.Tyr687Asp (NM_001406797.1, NM_001406801.1, NM_001406805.1 and 10 more transcripts); c.1831T>G, p.Tyr611Asp (NM_001406799.1, NM_001406806.1, NM_001406807.1); c.2278T>G, p.Tyr760Asp (NM_001406804.1); c.2362T>G, p.Tyr788Asp (NM_001406813.1); and 1 more; short protein forms Y760D, Y730D, Y788D, Y484D, Y611D, Y687D, Y786D, Y818D.
Identifiers: ClinVar variation 1790082 (VCV001790082.2), dbSNP rs773193199, ClinGen allele CA346753575.